The following is an entry in ClinVar:

NM_024649.5(BBS1):c.1110+334G>C

Genes: BBS1 (Bardet-Biedl syndrome 1; plus strand), ZDHHC24 (zDHHC palmitoyltransferase 24; minus strand). Cytogenetic location: 11q13.2.
Variant type: single nucleotide variant.
Coding change: c.1110+334G>C on transcript NM_024649.5 (MANE Select); 334 bases into the intron after coding-DNA position 1110, G replaced by C.
Molecular consequence: intron variant.
Genome position (GRCh38, 1-based): chr11:66,524,216, G>C. VCF-style: chr11-66524216-G-C. GRCh37 (hg19) VCF-style: chr11-66291687-G-C.
Other names: c.*21+2720C>G (NM_001348571.2).
Identifiers: ClinVar variation 3351040 (VCV003351040.1).

ClinVar aggregate classification (germline): Likely benign (0 of 4 stars; one submission).

Conditions:
BBS1-related disorder. Also called: BBS1-related condition.

Submission:

PreventionGenetics, part of Exact Sciences
Classification: Likely benign for BBS1-related condition. Last evaluated: 2020-09-14. Review status: no assertion criteria provided. Collection method: clinical testing. Allele origin: germline.
Comment: This variant is classified as likely benign based on ACMG/AMP sequence variant interpretation guidelines (Richards et al. 2015 PMID: 25741868, with internal and published modifications).